The following is an entry in ClinVar:

NM_024757.5(EHMT1):c.2825dup (p.Leu943fs)

Gene: EHMT1 (euchromatic histone lysine methyltransferase 1; plus strand). Cytogenetic location: 9q34.3.
Variant type: Duplication.
Coding change: c.2825dup on transcript NM_024757.5 (MANE Select); coding-DNA position 2825, one base duplicated (C; older notation c.2825dupC).
Protein change: p.Leu943fs; shifts the reading frame from leucine 943.
Molecular consequence: frameshift variant.
Genome position (GRCh38, 1-based): chr9:137,811,573, C duplicated; the last of 2 consecutive C bases (chr9:137,811,572-137,811,573); duplicating either gives the same sequence. VCF-style (leftmost placement, unchanged base first): chr9-137811571-G-GC. GRCh37 (hg19) VCF-style: chr9-140706023-G-GC.
Other names: c.2804dup, p.Leu936fs (NM_001354263.2); short protein forms L936fs, L943fs.
Identifiers: ClinVar variation 1074863 (VCV001074863.7), dbSNP rs2137672729, ClinGen allele CA2499219814.

ClinVar aggregate classification (germline): Pathogenic (1 of 4 stars; one submission).

Conditions:
Kleefstra syndrome 1 (KLEFS1). Identifiers: Orphanet 261494, MedGen C0795833, MONDO:0027407, OMIM 610253.

Submission:

Labcorp Genetics (formerly Invitae), Labcorp
Classification: Pathogenic for Kleefstra syndrome 1. Last evaluated: 2020-07-03. Review status: criteria provided, single submitter. Criteria: Invitae Variant Classification Sherloc (09022015). Collection method: clinical testing. Allele origin: germline.
Comment: This sequence change creates a premature translational stop signal (p.Leu943Thrfs*234) in the EHMT1 gene. It is expected to result in an absent or disrupted protein product. This variant is not present in population databases (ExAC no frequency). This variant has not been reported in the literature in individuals with EHMT1-related conditions. Loss-of-function variants in EHMT1 are known to be pathogenic (PMID: 16826528, 19264732). For these reasons, this variant has been classified as Pathogenic.

Literature cited by the submitters: PubMed 16826528; PubMed 19264732.